The following is an entry in ClinVar:

NM_003055.3(SLC18A3):c.1276A>G (p.Ile426Val)

Genes: CHAT (choline O-acetyltransferase; plus strand), SLC18A3 (solute carrier family 18 member A3; plus strand). Cytogenetic location: 10q11.23.
Variant type: single nucleotide variant.
Coding change: c.1276A>G on transcript NM_003055.3 (MANE Select); coding-DNA position 1276, A replaced by G.
Protein change: p.Ile426Val; replaces isoleucine 426 with valine.
Molecular consequence: missense variant. On other transcripts: intron variant (1).
Genome position (GRCh38, 1-based): chr10:49,612,016, A>G. VCF-style: chr10-49612016-A-G. GRCh37 (hg19) VCF-style: chr10-50820062-A-G.
Other names: c.-69+2817A>G (NM_020984.4); short protein forms I426V.
Identifiers: ClinVar variation 733836 (VCV000733836.11), dbSNP rs118107581, ClinGen allele CA5496933.

ClinVar aggregate classification (germline): Benign. Review status: criteria provided, single submitter (1 of 4 stars). 2 submissions from 2 submitters: Benign (1). 1 of the submissions does not count toward it. Last evaluated 2025-12-15.

Conditions:
SLC18A3-related disorder. Also called: SLC18A3-related condition.

Allele frequency attached by ClinVar (database versions not stated): ESP Exome Variant Server 0.00015; gnomAD 0.00019 and 0.00028; 1000 Genomes Project 30x 0.00109; TOPMed 0.00022; gnomAD exomes 0.00049; 1000 Genomes Project 0.00140.
gnomAD v4.1: 748 of 1,613,762 alleles (0.046%); highest among the groups gnomAD compares: East Asian, 1.3%; 4 homozygotes.

Submissions (2):

Labcorp Genetics (formerly Invitae), Labcorp
Classification: Benign. Last evaluated: 2025-12-15. Review status: criteria provided, single submitter. Criteria: Invitae Variant Classification Sherloc (09022015). Collection method: clinical testing. Allele origin: germline.

PreventionGenetics, part of Exact Sciences
Classification: Likely benign for SLC18A3-related condition. Last evaluated: 2019-05-29. Review status: no assertion criteria provided. Collection method: clinical testing. Allele origin: germline. Not counted in ClinVar's aggregate classification.
Comment: This variant is classified as likely benign based on ACMG/AMP sequence variant interpretation guidelines (Richards et al. 2015 PMID: 25741868, with internal and published modifications).